The following is an entry in ClinVar:

ClinVar aggregate classification (germline): Uncertain significance (1 of 4 stars; one submission).

Submission:

Labcorp Genetics (formerly Invitae), Labcorp
Classification: Uncertain significance. Last evaluated: 2024-08-28. Review status: criteria provided, single submitter. Criteria: Invitae Variant Classification Sherloc (09022015). Collection method: clinical testing. Allele origin: germline.
Comment: This sequence change affects codon 864 of the NFKB1 mRNA. It is a 'silent' change, meaning that it does not change the encoded amino acid sequence of the NFKB1 protein. This variant also falls at the last nucleotide of exon 22, which is part of the consensus splice site for this exon. This variant is not present in population databases (gnomAD no frequency). This variant has not been reported in the literature in individuals affected with NFKB1-related conditions. Variants that disrupt the consensus splice site are a relatively common cause of aberrant splicing (PMID: 17576681, 9536098). Algorithms developed to predict the effect of sequence changes on RNA splicing suggest that this variant may disrupt the consensus splice site. In summary, the available evidence is currently insufficient to determine the role of this variant in disease. Therefore, it has been classified as a Variant of Uncertain Significance.

Literature cited by the submitters: PubMed 17576681; PubMed 9536098.

NM_003998.4(NFKB1):c.2592G>A (p.Glu864=)

Gene: NFKB1 (nuclear factor kappa B subunit 1; plus strand). Cytogenetic location: 4q24.
Variant type: single nucleotide variant.
Coding change: c.2592G>A on transcript NM_003998.4 (MANE Select); coding-DNA position 2592, G replaced by A.
Protein change: p.Glu864=; no amino-acid change (glutamic acid 864 retained).
Molecular consequence: synonymous variant.
Genome position (GRCh38, 1-based): chr4:102,612,606, G>A. VCF-style: chr4-102612606-G-A. GRCh37 (hg19) VCF-style: chr4-103533763-G-A.
Other names: c.2589G>A, p.Glu863= (NM_001165412.2, NM_001319226.2, NM_001382627.1); c.2592G>A, p.Glu864= (NM_001382625.1, NM_001382626.1); c.2550G>A, p.Glu850= (NM_001382628.1).
Identifiers: ClinVar variation 3663699 (VCV003663699.2).